The following is an entry in ClinVar:

NM_000135.4(FANCA):c.3241_3626+1del

Genes: FANCA (FA complementation group A; minus strand), LOC132090450 (Neanderthal introgressed variant-containing enhancer experimental_46718; plus strand). Cytogenetic location: 16q24.3.
Variant type: Deletion.
Coding change: c.3241_3626+1del on transcript NM_000135.4 (MANE Select); coding-DNA position 3241 through the canonical splice donor site of the intron after coding-DNA position 3626, 3,809 bases deleted.
Molecular consequence: splice acceptor variant, splice donor variant.
Genome position (GRCh38, 1-based): chr16:89,744,958-89,748,766, 3,809 bases deleted. GRCh37 (hg19): chr16:89,811,367-89,815,175.
Other names: c.3241_3626+1del (NM_001286167.3).
Identifiers: ClinVar variation 632554 (VCV000632554.3), ClinGen allele CA913191110.

ClinVar aggregate classification (germline): Pathogenic (0 of 4 stars; one submission).

Conditions:
Fanconi anemia (FA). Also called: Fanconi's anemia. Identifiers: Orphanet 84, MedGen C0015625, MeSH D005199, MONDO:0019391.

Submission:

Molecular Genetics and Enzymology, National Research Centre
Classification: Pathogenic for Fanconi anemia. Last evaluated: 2017-02-01. Review status: no assertion criteria provided. Collection method: research. Allele origin: germline. Affected: yes. Observed: 1 variant allele.
Comment: this mutaton is asociated with severe Fanconi anemia patient